The following is an entry in ClinVar:

ClinVar aggregate classification (germline): Uncertain significance (1 of 4 stars; one submission).

Conditions:
Congenital myasthenic syndrome 2A. Also called: Myasthenic syndrome, congenital, 2a, slow-channel. Identifiers: Orphanet 590, MedGen C4225374, MONDO:0014581, OMIM 616313.

Allele frequency attached by ClinVar (database versions not stated): gnomAD exomes below 0.00001; ExAC 0.00002.
gnomAD v4.1: 6 of 1,614,074 alleles (0.00037%); highest among the groups gnomAD compares: Admixed American, 0.0083%; no homozygotes.

Submission:

Labcorp Genetics (formerly Invitae), Labcorp
Classification: Uncertain significance for Congenital myasthenic syndrome 2A. Last evaluated: 2023-01-24. Review status: criteria provided, single submitter. Criteria: Invitae Variant Classification Sherloc (09022015). Collection method: clinical testing. Allele origin: germline.
Comment: In summary, the available evidence is currently insufficient to determine the role of this variant in disease. Therefore, it has been classified as a Variant of Uncertain Significance. Advanced modeling of protein sequence and biophysical properties (such as structural, functional, and spatial information, amino acid conservation, physicochemical variation, residue mobility, and thermodynamic stability) performed at Invitae indicates that this missense variant is not expected to disrupt CHRNB1 protein function. This variant has not been reported in the literature in individuals affected with CHRNB1-related conditions. This variant is present in population databases (rs754506936, gnomAD 0.01%). This sequence change replaces glutamic acid, which is acidic and polar, with aspartic acid, which is acidic and polar, at codon 72 of the CHRNB1 protein (p.Glu72Asp).

NM_000747.3(CHRNB1):c.216G>C (p.Glu72Asp)

Gene: CHRNB1 (cholinergic receptor nicotinic beta 1 subunit; plus strand). Cytogenetic location: 17p13.1.
Variant type: single nucleotide variant.
Coding change: c.216G>C on transcript NM_000747.3 (MANE Select); coding-DNA position 216, G replaced by C.
Protein change: p.Glu72Asp; replaces glutamic acid 72 with aspartic acid.
Molecular consequence: missense variant.
Genome position (GRCh38, 1-based): chr17:7,446,086, G>C. VCF-style: chr17-7446086-G-C. GRCh37 (hg19) VCF-style: chr17-7349405-G-C.
Other names: short protein forms E72D.
Identifiers: ClinVar variation 2787030 (VCV002787030.3), dbSNP rs754506936, ClinGen allele CA8347681.